The following is an entry in ClinVar:

ClinVar aggregate classification (germline): Likely benign (1 of 4 stars; one submission).

Allele frequency attached by ClinVar (database versions not stated): gnomAD exomes below 0.00001.
gnomAD v4.1: 3 of 1,580,480 alleles (0.00019%); highest among the groups gnomAD compares: Non-Finnish European, 0.00026%; no homozygotes.

Submission:

Women's Health and Genetics/Laboratory Corporation of America, LabCorp
Classification: Likely benign. Last evaluated: 2023-11-22. Review status: criteria provided, single submitter. Criteria: LabCorp Variant Classification Summary - May 2015. Collection method: clinical testing. Allele origin: germline.
Comment: Variant summary: FBXO38 c.3163+11C>T alters a non-conserved nucleotide located at a position not widely known to affect splicing. Consensus agreement among computation tools predict no significant impact on normal splicing. However, these predictions have yet to be confirmed by functional studies. The frequency data for this variant in gnomAD is considered unreliable, as metrics indicate poor data quality at this position. To our knowledge, no occurrence of c.3163+11C>T in individuals affected with Neuronopathy, Distal Hereditary Motor, Type 2D and no experimental evidence demonstrating its impact on protein function have been reported. No submitters have cited clinical-significance assessments for this variant to ClinVar after 2014. Based on the evidence outlined above, the variant was classified as likely benign.

NM_205836.3(FBXO38):c.3388+11C>T

Gene: FBXO38 (F-box protein 38; plus strand). Cytogenetic location: 5q32.
Variant type: single nucleotide variant.
Coding change: c.3388+11C>T on transcript NM_205836.3 (MANE Select); 11 bases into the intron after coding-DNA position 3388, C replaced by T.
Molecular consequence: intron variant.
Genome position (GRCh38, 1-based): chr5:148,441,248, C>T. VCF-style: chr5-148441248-C-T. GRCh37 (hg19) VCF-style: chr5-147820811-C-T.
Other names: c.3163+11C>T (NM_030793.5); c.2653+11C>T (NM_001271723.2).
Identifiers: ClinVar variation 2682258 (VCV002682258.1), dbSNP rs2531865518, ClinGen allele CA2578444883.